The following is an entry in ClinVar:

ClinVar aggregate classification (germline): Likely benign (1 of 4 stars; one submission).

Conditions:
KIF12-related disorder. Also called: KIF12-related condition.

gnomAD v4.1: 30 of 1,586,696 alleles (0.0019%); highest among the groups gnomAD compares: African/African-American, 0.041%; no homozygotes.

Submission:

PreventionGenetics, part of Exact Sciences
Classification: Likely benign for KIF12-related condition. Last evaluated: 2026-02-26. Review status: criteria provided, single submitter. Criteria: ACMG Guidelines, 2015. Collection method: clinical testing. Allele origin: germline.
Comment: This variant is classified as likely benign based on ACMG/AMP sequence variant interpretation guidelines (Richards et al. 2015 PMID: 25741868, with internal and published modifications).

NM_001388308.1(KIF12):c.511-10C>T

Gene: KIF12 (kinesin family member 12; minus strand). Cytogenetic location: 9q32.
Variant type: single nucleotide variant.
Coding change: c.511-10C>T on transcript NM_001388308.1 (MANE Select); 10 bases into the intron before coding-DNA position 511, C replaced by T.
Molecular consequence: intron variant.
Genome position (GRCh38, 1-based): chr9:114,097,446, G>A on the plus strand (C>T on the coding strand, the complement: KIF12 is on the minus strand). VCF-style: chr9-114097446-G-A. GRCh37 (hg19) VCF-style: chr9-116859726-G-A.
Other names: c.97-10C>T (NM_138424.2).
Identifiers: ClinVar variation 4982107 (VCV004982107.1).